The following is an entry in ClinVar:

NM_000090.4(COL3A1):c.283-12del

Gene: COL3A1 (collagen type III alpha 1 chain; plus strand). Cytogenetic location: 2q32.2.
Variant type: Deletion.
Coding change: c.283-12del on transcript NM_000090.4 (MANE Select); 12 bases into the intron before coding-DNA position 283, one base deleted (T; older notation c.283-12delT).
Molecular consequence: intron variant.
Genome position (GRCh38, 1-based): chr2:188,985,185, T deleted; the last of 4 consecutive T bases (chr2:188,985,182-188,985,185); deleting any one gives the same sequence. VCF-style (leftmost placement, unchanged base first): chr2-188985181-CT-C. GRCh37 (hg19) VCF-style: chr2-189849907-CT-C.
Identifiers: ClinVar variation 3071580 (VCV003071580.1), dbSNP rs2469107066, ClinGen allele CA2662288331.

ClinVar aggregate classification (germline): Uncertain significance (1 of 4 stars; one submission).

Conditions:
Ehlers-Danlos syndrome, type 4 (EDSVASC). Also called: Ehlers-Danlos Syndrome Type IV; Ehlers-Danlos syndrome vascular type; Ehlers Danlos syndrome, ecchymotic type; Ehlers Danlos syndrome, arterial type; Ehlers Danlos syndrome, Sack-Barabas type. Identifiers: Orphanet 286, MedGen C0268338, MONDO:0017314, OMIM 130050.

Submission:

All of Us Research Program, National Institutes of Health
Classification: Uncertain significance for Ehlers-Danlos syndrome, type 4. Last evaluated: 2023-06-08. Review status: criteria provided, single submitter. Criteria: ACMG Guidelines, 2015. Collection method: clinical testing. Allele origin: germline. Inheritance: Autosomal dominant inheritance. Observed: 1 variant allele, 1 heterozygote.
Comment: This variant causes the deletion of a single nucleotide in intron 2 of the COL3A1 gene. To our knowledge, functional studies have not been reported for this variant. This variant has not been reported in individuals affected with COL3A1-related disorders in the literature. This variant has not been identified in the general population by the Genome Aggregation Database (gnomAD). The available evidence is insufficient to determine the role of this variant in disease conclusively. Therefore, this variant is classified as a Variant of Uncertain Significance.

This study involves interpretation of variants in research participants for the purpose of population health screening. Participant phenotype was not available at the time of variant classification. Additional details can be found in publication PMID: 35346344, PMCID: PMC8962531